The following is an entry in ClinVar:

ClinVar aggregate classification (germline): Benign/Likely benign. Review status: criteria provided, multiple submitters, no conflicts (2 of 4 stars). 3 submissions from 3 submitters: Benign (1); Likely benign (1). 1 of the submissions does not count toward it. Last evaluated 2025-12-25.

Conditions:
ATP13A3-related disorder. Also called: ATP13A3-related condition.

Allele frequency attached by ClinVar (database versions not stated): 1000 Genomes Project 0.00060; 1000 Genomes Project 30x 0.00062; TOPMed 0.00088; ESP Exome Variant Server 0.00109; gnomAD 0.00131 and 0.00138; gnomAD exomes 0.00160; ExAC 0.00175.

Submissions (3):

Labcorp Genetics (formerly Invitae), Labcorp
Classification: Benign. Last evaluated: 2025-12-25. Review status: criteria provided, single submitter. Criteria: Invitae Variant Classification Sherloc (09022015). Collection method: clinical testing. Allele origin: germline.

Blueprint Genetics
Classification: Likely benign. Last evaluated: 2024-11-20. Review status: criteria provided, single submitter. Criteria: ACMG Guidelines, 2015. Collection method: clinical testing. Allele origin: germline.

PreventionGenetics, part of Exact Sciences
Classification: Likely benign for ATP13A3-related condition. Last evaluated: 2019-06-26. Review status: no assertion criteria provided. Collection method: clinical testing. Allele origin: germline. Not counted in ClinVar's aggregate classification.
Comment: This variant is classified as likely benign based on ACMG/AMP sequence variant interpretation guidelines (Richards et al. 2015 PMID: 25741868, with internal and published modifications).

NM_001367549.1(ATP13A3):c.2262T>C (p.Thr754=)

Gene: ATP13A3 (ATPase 13A3; minus strand). Cytogenetic location: 3q29.
Variant type: single nucleotide variant.
Coding change: c.2262T>C on transcript NM_001367549.1 (MANE Select); coding-DNA position 2262, T replaced by C.
Protein change: p.Thr754=; no amino-acid change (threonine 754 retained).
Molecular consequence: synonymous variant. On other transcripts: non-coding transcript variant (2).
Genome position (GRCh38, 1-based): chr3:194,431,876, A>G on the plus strand (T>C on the coding strand, the complement: ATP13A3 is on the minus strand). VCF-style: chr3-194431876-A-G. GRCh37 (hg19) VCF-style: chr3-194152605-A-G.
Other names: c.2262T>C, p.Thr754= (NM_024524.4); c.2181T>C, p.Thr727= (NM_001374836.1); c.2262T>C (NM_024524.3).
Identifiers: ClinVar variation 1617651 (VCV001617651.11), dbSNP rs191418843, ClinGen allele CA2761710.
Genomic context (GRCh38, chr3:194,431,876, plus strand): 5'-AGCAATAATCACTTTATCCTGAGGTAGAATCATTCCACAATCTCTGGCCACAGAGACAGC[A>G]GTCAACATACTGTCACCTAATTTTCAAAATATTTTAAATGTATTGAAATTAAAATGGAAA-3'
Protein context (NP_001354478.1, residues 744-764): TVMVTGDSML[Thr754=]AVSVARDCGM